The following is an entry in ClinVar:

ClinVar aggregate classification (germline): Uncertain significance (1 of 4 stars; one submission).

Conditions:
Inborn genetic diseases. Identifiers: MedGen C0950123, MeSH D030342.

Submission:

Ambry Genetics
Classification: Uncertain significance for Inborn genetic diseases. Last evaluated: 2025-04-12. Review status: criteria provided, single submitter. Criteria: Ambry Variant Classification Scheme 2023. Collection method: clinical testing. Allele origin: germline.
Comment: The p.I297V variant (also known as c.889A>G), located in coding exon 5 of the ERCC6L2 gene, results from an A to G substitution at nucleotide position 889. The isoleucine at codon 297 is replaced by valine, an amino acid with highly similar properties. This amino acid position is conserved. In addition, the in silico prediction for this alteration is inconclusive. Based on the available evidence, the clinical significance of this variant remains unclear.

NM_020207.7(ERCC6L2):c.889A>G (p.Ile297Val)

Gene: ERCC6L2 (ERCC excision repair 6 like 2; plus strand). Cytogenetic location: 9q22.32.
Variant type: single nucleotide variant.
Coding change: c.889A>G on transcript NM_020207.7 (MANE Select); coding-DNA position 889, A replaced by G.
Protein change: p.Ile297Val; replaces isoleucine 297 with valine.
Molecular consequence: missense variant. On other transcripts: non-coding transcript variant (1).
Genome position (GRCh38, 1-based): chr9:95,915,768, A>G. VCF-style: chr9-95915768-A-G. GRCh37 (hg19) VCF-style: chr9-98678050-A-G.
Other names: c.889A>G, p.Ile297Val (NM_001010895.4, NM_001375291.1, NM_001375292.1 and 2 more transcripts); short protein forms I297V.
Identifiers: ClinVar variation 4019308 (VCV004019308.1).